The following is an entry in ClinVar:

ClinVar aggregate classification (germline): Uncertain significance (1 of 4 stars; one submission).

Allele frequency attached by ClinVar (database versions not stated): TOPMed below 0.00001; gnomAD 0.00001.
gnomAD v4.1: 9 of 1,614,164 alleles (0.00056%); highest among the groups gnomAD compares: East Asian, 0.011%; no homozygotes.

Submission:

Labcorp Genetics (formerly Invitae), Labcorp
Classification: Uncertain significance. Last evaluated: 2022-06-09. Review status: criteria provided, single submitter. Criteria: Invitae Variant Classification Sherloc (09022015). Collection method: clinical testing. Allele origin: germline.
Comment: This sequence change replaces cysteine, which is neutral and slightly polar, with phenylalanine, which is neutral and non-polar, at codon 515 of the HPS4 protein (p.Cys515Phe). This variant is present in population databases (no rsID available, gnomAD 0.06%). This variant has not been reported in the literature in individuals affected with HPS4-related conditions. Algorithms developed to predict the effect of missense changes on protein structure and function (SIFT, PolyPhen-2, Align-GVGD) all suggest that this variant is likely to be tolerated. In summary, the available evidence is currently insufficient to determine the role of this variant in disease. Therefore, it has been classified as a Variant of Uncertain Significance.

NM_022081.6(HPS4):c.1544G>T (p.Cys515Phe)

Gene: HPS4 (HPS4 biogenesis of lysosomal organelles complex 3 subunit 2; minus strand). Cytogenetic location: 22q12.1.
Variant type: single nucleotide variant.
Coding change: c.1544G>T on transcript NM_022081.6 (MANE Select); coding-DNA position 1544, G replaced by T.
Protein change: p.Cys515Phe; replaces cysteine 515 with phenylalanine.
Molecular consequence: missense variant. On other transcripts: non-coding transcript variant (8).
Genome position (GRCh38, 1-based): chr22:26,464,086, C>A on the plus strand (G>T on the coding strand, the complement: HPS4 is on the minus strand). VCF-style: chr22-26464086-C-A. GRCh37 (hg19) VCF-style: chr22-26860052-C-A.
Other names: c.1544G>T, p.Cys515Phe (NM_001349896.1, NM_001349898.2, NM_001349899.2 and 5 more transcripts); c.1598G>T, p.Cys533Phe (NM_001349900.2, NM_001349901.1); c.1529G>T, p.Cys510Phe (NM_152841.2); short protein forms C510F, C515F, C533F.
Identifiers: ClinVar variation 1910878 (VCV001910878.2), dbSNP rs1208471107, ClinGen allele CA411026417.